The following is an entry in ClinVar:

NM_030662.4(MAP2K2):c.29C>G (p.Pro10Arg)

Genes: MAP2K2 (mitogen-activated protein kinase kinase 2; minus strand), LOC130063193 (ATAC-STARR-seq lymphoblastoid silent region 9881; plus strand). Cytogenetic location: 19p13.3.
Variant type: single nucleotide variant.
Coding change: c.29C>G on transcript NM_030662.4 (MANE Select); coding-DNA position 29, C replaced by G.
Protein change: p.Pro10Arg; replaces proline 10 with arginine.
Molecular consequence: missense variant.
Genome position (GRCh38, 1-based): chr19:4,123,847, G>C on the plus strand (C>G on the coding strand, the complement: MAP2K2 is on the minus strand). VCF-style: chr19-4123847-G-C. GRCh37 (hg19) VCF-style: chr19-4123844-G-C.
Other names: c.29C>G, p.Pro10Arg (NM_001440688.1); short protein forms P10R.
Identifiers: ClinVar variation 4806211 (VCV004806211.1).
Genomic context (GRCh38, chr19:4,123,847, plus strand): 5'-GAGGCGCCCTCGCTGGTAGGGGATGGGCCCTCGGCGATGGTAGGGTTGATGGTGAGCGCC[G>C]GCAGCACCGGCTTCCTCCGGGCCAGCATCGGGGCTCCGCGGGCCGGCGGCGGCGGCGCCT-3'
Protein context (NP_109587.1, residues 1-20): MLARRKPVL[Pro10Arg]ALTINPTIAE

ClinVar aggregate classification (germline): Uncertain significance (1 of 4 stars; one submission).

Conditions:
RASopathy. Also called: Noonan spectrum disorder; rasopathies. Identifiers: Orphanet 536391, MedGen C5555857, MONDO:0021060.

Submission:

Labcorp Genetics (formerly Invitae), Labcorp
Classification: Uncertain significance for RASopathy. Last evaluated: 2025-03-25. Review status: criteria provided, single submitter. Criteria: Invitae Variant Classification Sherloc (09022015). Collection method: clinical testing. Allele origin: germline.
Comment: This sequence change replaces proline, which is neutral and non-polar, with arginine, which is basic and polar, at codon 10 of the MAP2K2 protein (p.Pro10Arg). This variant is not present in population databases (gnomAD no frequency). This variant has not been reported in the literature in individuals affected with MAP2K2-related conditions. Invitae Evidence Modeling of protein sequence and biophysical properties (such as structural, functional, and spatial information, amino acid conservation, physicochemical variation, residue mobility, and thermodynamic stability) has been performed for this missense variant. However, the output from this modeling did not meet the statistical confidence thresholds required to predict the impact of this variant on MAP2K2 protein function. In summary, the available evidence is currently insufficient to determine the role of this variant in disease. Therefore, it has been classified as a Variant of Uncertain Significance.